The following is an entry in ClinVar:

ClinVar aggregate classification (germline): Uncertain significance. Review status: criteria provided, multiple submitters, no conflicts (2 of 4 stars). 3 submissions from 3 submitters: Uncertain significance (3). Last evaluated 2026-04-20.

Conditions:
Cardiovascular phenotype. Identifiers: MedGen CN230736.
Hypertrophic cardiomyopathy 26. Also called: Cardiomyopathy, familial hypertrophic, 26. Identifiers: Orphanet 75249, MedGen C4310749, MONDO:0014883, OMIM 617047.
Myofibrillar myopathy 5. Also called: FILAMINOPATHY, AUTOSOMAL DOMINANT; Filaminopathy (type). Identifiers: Orphanet 171445, MedGen C1836050, MONDO:0012289, OMIM 609524.
Distal myopathy with posterior leg and anterior hand involvement. Also called: WILLIAMS DISTAL MYOPATHY. Identifiers: Orphanet 63273, MedGen C3279722, MONDO:0013550, OMIM 614065.

Submissions (3):

GeneDx
Classification: Uncertain significance. Last evaluated: 2026-04-20. Review status: criteria provided, single submitter. Criteria: GeneDx Variant Classification Process June 2021. Collection method: clinical testing. Allele origin: germline.
Comment: Not observed at significant frequency in large population cohorts (gnomAD); In silico analysis supports that this missense variant has a deleterious effect on protein structure/function; Has not been previously published as pathogenic or benign to our knowledge

Ambry Genetics
Classification: Uncertain significance for Cardiovascular phenotype. Last evaluated: 2025-06-01. Review status: criteria provided, single submitter. Criteria: Ambry Variant Classification Scheme 2023. Collection method: clinical testing. Allele origin: germline.
Comment: The p.M2566V variant (also known as c.7696A>G), located in coding exon 46 of the FLNC gene, results from an A to G substitution at nucleotide position 7696. The methionine at codon 2566 is replaced by valine, an amino acid with highly similar properties. This amino acid position is conserved. In addition, the in silico prediction for this alteration is inconclusive. Based on the available evidence, the clinical significance of this variant remains unclear.

Labcorp Genetics (formerly Invitae), Labcorp
Classification: Uncertain significance for Distal myopathy with posterior leg and anterior hand involvement; Myofibrillar myopathy 5; Hypertrophic cardiomyopathy 26. Last evaluated: 2023-11-24. Review status: criteria provided, single submitter. Criteria: Invitae Variant Classification Sherloc (09022015). Collection method: clinical testing. Allele origin: germline.
Comment: This sequence change replaces methionine, which is neutral and non-polar, with valine, which is neutral and non-polar, at codon 2566 of the FLNC protein (p.Met2566Val). This variant is not present in population databases (gnomAD no frequency). This variant has not been reported in the literature in individuals affected with FLNC-related conditions. Advanced modeling of protein sequence and biophysical properties (such as structural, functional, and spatial information, amino acid conservation, physicochemical variation, residue mobility, and thermodynamic stability) performed at Invitae indicates that this missense variant is not expected to disrupt FLNC protein function with a negative predictive value of 95%. In summary, the available evidence is currently insufficient to determine the role of this variant in disease. Therefore, it has been classified as a Variant of Uncertain Significance.

NM_001458.5(FLNC):c.7696A>G (p.Met2566Val)

Genes: FLNC (filamin C; plus strand), FLNC-AS1 (FLNC antisense RNA 1; minus strand). Cytogenetic location: 7q32.1.
Variant type: single nucleotide variant.
Coding change: c.7696A>G on transcript NM_001458.5 (MANE Select); coding-DNA position 7696, A replaced by G.
Protein change: p.Met2566Val; replaces methionine 2566 with valine.
Molecular consequence: missense variant.
Genome position (GRCh38, 1-based): chr7:128,857,252, A>G. VCF-style: chr7-128857252-A-G. GRCh37 (hg19) VCF-style: chr7-128497306-A-G.
Other names: c.7597A>G, p.Met2533Val (NM_001127487.2); short protein forms M2566V, M2533V.
Identifiers: ClinVar variation 2954187 (VCV002954187.5), dbSNP rs2536671421, ClinGen allele CA369219713.